The following is an entry in ClinVar:

ClinVar aggregate classification (germline): Likely benign (0 of 4 stars; one submission).

Conditions:
NRP1-related disorder. Also called: NRP1-related condition.

gnomAD v4.1: 33 of 1,601,844 alleles (0.0021%); highest among the groups gnomAD compares: South Asian, 0.0056%; no homozygotes.

Submission:

PreventionGenetics, part of Exact Sciences
Classification: Likely benign for NRP1-related condition. Last evaluated: 2022-08-02. Review status: no assertion criteria provided. Collection method: clinical testing. Allele origin: germline.
Comment: This variant is classified as likely benign based on ACMG/AMP sequence variant interpretation guidelines (Richards et al. 2015 PMID: 25741868, with internal and published modifications).

NM_003873.7(NRP1):c.84C>T (p.Gly28=)

Gene: NRP1 (neuropilin 1; minus strand). Cytogenetic location: 10p11.22.
Variant type: single nucleotide variant.
Coding change: c.84C>T on transcript NM_003873.7 (MANE Select); coding-DNA position 84, C replaced by T.
Protein change: p.Gly28=; no amino-acid change (glycine 28 retained).
Molecular consequence: synonymous variant. On other transcripts: non-coding transcript variant (1).
Genome position (GRCh38, 1-based): chr10:33,330,872, G>A on the plus strand (C>T on the coding strand, the complement: NRP1 is on the minus strand). VCF-style: chr10-33330872-G-A. GRCh37 (hg19) VCF-style: chr10-33619800-G-A.
Other names: c.84C>T, p.Gly28= (NM_001024628.3, NM_001024629.3, NM_001244972.2 and 2 more transcripts).
Identifiers: ClinVar variation 3350985 (VCV003350985.1).